The following is an entry in ClinVar:

ClinVar aggregate classification (germline): Uncertain significance (1 of 4 stars; one submission).

Allele frequency attached by ClinVar (database versions not stated): gnomAD exomes 0.00002; TOPMed 0.00002; ExAC 0.00003; gnomAD 0.00003; ESP Exome Variant Server 0.00008.
gnomAD v4.1: 35 of 1,602,068 alleles (0.0022%); highest among the groups gnomAD compares: South Asian, 0.021%; no homozygotes.

Submission:

Labcorp Genetics (formerly Invitae), Labcorp
Classification: Uncertain significance. Last evaluated: 2025-06-09. Review status: criteria provided, single submitter. Criteria: Invitae Variant Classification Sherloc (09022015). Collection method: clinical testing. Allele origin: germline.
Comment: This sequence change replaces isoleucine, which is neutral and non-polar, with valine, which is neutral and non-polar, at codon 237 of the KL protein (p.Ile237Val). This variant is present in population databases (rs141049229, gnomAD 0.02%). This variant has not been reported in the literature in individuals affected with KL-related conditions. ClinVar contains an entry for this variant (Variation ID: 1922639). Invitae Evidence Modeling of protein sequence and biophysical properties (such as structural, functional, and spatial information, amino acid conservation, physicochemical variation, residue mobility, and thermodynamic stability) indicates that this missense variant is not expected to disrupt KL protein function with a negative predictive value of 80%. In summary, the available evidence is currently insufficient to determine the role of this variant in disease. Therefore, it has been classified as a Variant of Uncertain Significance.

NM_004795.4(KL):c.709A>G (p.Ile237Val)

Gene: KL (klotho; plus strand). Cytogenetic location: 13q13.1.
Variant type: single nucleotide variant.
Coding change: c.709A>G on transcript NM_004795.4 (MANE Select); coding-DNA position 709, A replaced by G.
Protein change: p.Ile237Val; replaces isoleucine 237 with valine.
Molecular consequence: missense variant.
Genome position (GRCh38, 1-based): chr13:33,017,149, A>G. VCF-style: chr13-33017149-A-G. GRCh37 (hg19) VCF-style: chr13-33591287-A-G.
Other names: short protein forms I237V.
Identifiers: ClinVar variation 1922639 (VCV001922639.5), dbSNP rs141049229, ClinGen allele CA6943943.